The following is an entry in ClinVar:

NM_000384.3(APOB):c.8613T>C (p.Asn2871=)

Gene: APOB (apolipoprotein B; minus strand). Cytogenetic location: 2p24.1.
Variant type: single nucleotide variant.
Coding change: c.8613T>C on transcript NM_000384.3 (MANE Select); coding-DNA position 8613, T replaced by C.
Protein change: p.Asn2871=; no amino-acid change (asparagine 2871 retained).
Molecular consequence: synonymous variant.
Genome position (GRCh38, 1-based): chr2:21,008,255, A>G on the plus strand (T>C on the coding strand, the complement: APOB is on the minus strand). VCF-style: chr2-21008255-A-G. GRCh37 (hg19) VCF-style: chr2-21231127-A-G.
Identifiers: ClinVar variation 4532945 (VCV004532945.1), dbSNP rs1663205987.
Genomic context (GRCh38, chr2:21,008,255, plus strand): 5'-GTGGAAGTATTTAGTGTTGCTATCCAGGGTAAGCTGATTGTTTATCTTGACAATCACTCC[A>G]TTACTAAGCTCCAGTGTATTTTTTTCTGTGTGTAAACTTGCCACTGTGTTTGATTTTCCC-3'
Protein context (NP_000375.3, residues 2861-2881): HTEKNTLELS[Asn2871=]GVIVKINNQL

ClinVar aggregate classification (germline): Uncertain significance (1 of 4 stars; one submission).

gnomAD v4.1: 1 of 1,614,070 alleles (0.000062%); highest among the groups gnomAD compares: Non-Finnish European, 0.000085%; no homozygotes.

Submission:

Quest Diagnostics Nichols Institute San Juan Capistrano
Classification: Uncertain significance. Last evaluated: 2025-09-12. Review status: criteria provided, single submitter. Criteria: Quest Diagnostics criteria. Collection method: clinical testing. Allele origin: unknown.
Comment: The APOB c.8613T>C (p.Asn2871=) synonymous variant has not been reported in individuals with APOB-related conditions in the published literature. This variant also has not been reported in large, multi-ethnic general populations (Genome Aggregation Database). Analysis of this variant using software algorithms for the prediction of the effect of nucleotide changes on splicing yielded predictions that this variant does not affect APOB mRNA splicing. Based on the available information, we are unable to determine the clinical significance of this variant.